The following is an entry in ClinVar:

ClinVar aggregate classification (germline): Pathogenic (1 of 4 stars; one submission).

Conditions:
COG4-congenital disorder of glycosylation. Also called: CONGENITAL DISORDER OF GLYCOSYLATION, TYPE IIj; CDG IIj; COG4-CDG. Identifiers: Orphanet 263501, MedGen C4303552, MONDO:0013281, OMIM 613489.

Submission:

Labcorp Genetics (formerly Invitae), Labcorp
Classification: Pathogenic for COG4-congenital disorder of glycosylation. Last evaluated: 2023-08-14. Review status: criteria provided, single submitter. Criteria: Invitae Variant Classification Sherloc (09022015). Collection method: clinical testing. Allele origin: germline.
Comment: This sequence change creates a premature translational stop signal (p.Gly537Alafs*14) in the COG4 gene. It is expected to result in an absent or disrupted protein product. Loss-of-function variants in COG4 are known to be pathogenic (PMID: 21185756). This variant is present in population databases (no rsID available, gnomAD 0.006%). This variant has not been reported in the literature in individuals affected with COG4-related conditions. For these reasons, this variant has been classified as Pathogenic.

Literature cited by the submitters: PubMed 21185756.

NM_015386.3(COG4):c.1608del (p.Gly537fs)

Gene: COG4 (component of oligomeric golgi complex 4; minus strand). Cytogenetic location: 16q22.1.
Variant type: Deletion.
Coding change: c.1608del on transcript NM_015386.3 (MANE Select); coding-DNA position 1608, one base deleted (A; older notation c.1608delA).
Protein change: p.Gly537fs; shifts the reading frame from glycine 537.
Molecular consequence: frameshift variant. On other transcripts: non-coding transcript variant (1).
Genome position (GRCh38, 1-based): chr16:70,496,305, T deleted on the plus strand (A on the coding strand, the reverse complement: COG4 is on the minus strand); the first of 4 consecutive T bases (chr16:70,496,305-70,496,308); deleting any one gives the same sequence. VCF-style (leftmost placement, unchanged base first): chr16-70496304-CT-C. GRCh37 (hg19) VCF-style: chr16-70530207-CT-C.
Other names: c.1596del, p.Gly533fs (NM_001195139.2); c.1182del, p.Gly395fs (NM_001365426.1); short protein forms G533fs, G537fs, G395fs.
Identifiers: ClinVar variation 2917150 (VCV002917150.3), dbSNP rs926950737, ClinGen allele CA283440906.